The following is an entry in ClinVar:

NM_001060.6(TBXA2R):c.806T>A (p.Val269Glu)

Gene: TBXA2R (thromboxane A2 receptor; minus strand). Cytogenetic location: 19p13.3.
Variant type: single nucleotide variant.
Coding change: c.806T>A on transcript NM_001060.6 (MANE Select); coding-DNA position 806, T replaced by A.
Protein change: p.Val269Glu; replaces valine 269 with glutamic acid.
Molecular consequence: missense variant.
Genome position (GRCh38, 1-based): chr19:3,595,914, A>T on the plus strand (T>A on the coding strand, the complement: TBXA2R is on the minus strand). VCF-style: chr19-3595914-A-T. GRCh37 (hg19) VCF-style: chr19-3595912-A-T.
Other names: c.806T>A, p.Val269Glu (NM_201636.3); short protein forms V269E.
Identifiers: ClinVar variation 2128719 (VCV002128719.4), dbSNP rs200833564, ClinGen allele CA304367944.

ClinVar aggregate classification (germline): Uncertain significance (1 of 4 stars; one submission).

Allele frequency attached by ClinVar (database versions not stated): gnomAD exomes below 0.00001; gnomAD 0.00001; TOPMed 0.00001.

Submission:

Labcorp Genetics (formerly Invitae), Labcorp
Classification: Uncertain significance. Last evaluated: 2025-01-10. Review status: criteria provided, single submitter. Criteria: Invitae Variant Classification Sherloc (09022015). Collection method: clinical testing. Allele origin: germline.
Comment: This sequence change replaces valine, which is neutral and non-polar, with glutamic acid, which is acidic and polar, at codon 269 of the TBXA2R protein (p.Val269Glu). This variant is present in population databases (rs200833564, gnomAD 0.0009%). This variant has not been reported in the literature in individuals affected with TBXA2R-related conditions. ClinVar contains an entry for this variant (Variation ID: 2128719). Invitae Evidence Modeling of protein sequence and biophysical properties (such as structural, functional, and spatial information, amino acid conservation, physicochemical variation, residue mobility, and thermodynamic stability) indicates that this missense variant is not expected to disrupt TBXA2R protein function with a negative predictive value of 80%. In summary, the available evidence is currently insufficient to determine the role of this variant in disease. Therefore, it has been classified as a Variant of Uncertain Significance.